The following is an entry in ClinVar:

NM_020988.3(GNAO1):c.54G>A (p.Ala18=)

Gene: GNAO1 (G protein subunit alpha o1; plus strand). Cytogenetic location: 16q13.
Variant type: single nucleotide variant.
Coding change: c.54G>A on transcript NM_020988.3 (MANE Select); coding-DNA position 54, G replaced by A.
Protein change: p.Ala18=; no amino-acid change (alanine 18 retained).
Molecular consequence: synonymous variant.
Genome position (GRCh38, 1-based): chr16:56,192,289, G>A. VCF-style: chr16-56192289-G-A. GRCh37 (hg19) VCF-style: chr16-56226201-G-A.
Other names: c.54G>A, p.Ala18= (NM_138736.3); c.54G>A (NM_020988.2).
Identifiers: ClinVar variation 1091992 (VCV001091992.10), dbSNP rs1288429932, ClinGen allele CA495765704.
Genomic context (GRCh38, chr16:56,192,289, plus strand): 5'-GGCCACCATGGGATGTACTCTGAGCGCAGAGGAGAGAGCCGCCCTCGAGCGGAGCAAGGC[G>A]ATTGAGAAAAACCTCAAAGAGGATGGCATCAGCGCCGCCAAAGACGTGAAATTACTCCTG-3'
Protein context (NP_066268.1, residues 8-28): EERAALERSK[Ala18=]IEKNLKEDGI

ClinVar aggregate classification (germline): Conflicting classifications of pathogenicity. Review status: criteria provided, conflicting classifications (1 of 4 stars). 2 submissions from 2 submitters: Uncertain significance (1); Likely benign (1). Last evaluated 2025-11-27.

Conditions:
Early-infantile DEE. Also called: Ohtahara syndrome; Early infantile epileptic encephalopathy with suppression bursts; Early infantile epileptic encephalopathy. Identifiers: Orphanet 1934, MedGen C0393706, MONDO:0800491.

Allele frequency attached by ClinVar (database versions not stated): gnomAD exomes below 0.00001 and 0.00003; gnomAD 0.00001.
gnomAD v4.1: 43 of 1,611,744 alleles (0.0027%); highest among the groups gnomAD compares: Non-Finnish European, 0.0036%; no homozygotes.

Submissions (2):

Labcorp Genetics (formerly Invitae), Labcorp
Classification: Likely benign for Early-infantile DEE. Last evaluated: 2025-11-27. Review status: criteria provided, single submitter. Criteria: Invitae Variant Classification Sherloc (09022015). Collection method: clinical testing. Allele origin: germline.

GeneDx
Classification: Uncertain significance. Last evaluated: 2023-01-09. Review status: criteria provided, single submitter. Criteria: GeneDx Variant Classification Process June 2021. Collection method: clinical testing. Allele origin: germline. Affected: yes.
Comment: Not observed at significant frequency in large population cohorts (gnomAD); In silico analysis supports that this variant does not alter splicing; Has not been previously published as pathogenic or benign to our knowledge